The following is an entry in ClinVar:

ClinVar aggregate classification (germline): Pathogenic (1 of 4 stars; one submission).

Submission:

Labcorp Genetics (formerly Invitae), Labcorp
Classification: Pathogenic. Last evaluated: 2024-01-31. Review status: criteria provided, single submitter. Criteria: Invitae Variant Classification Sherloc (09022015). Collection method: clinical testing. Allele origin: germline.
Comment: This sequence change creates a premature translational stop signal (p.Pro1011Leufs*334) in the COL11A2 gene. It is expected to result in an absent or disrupted protein product. Loss-of-function variants in COL11A2 are known to be pathogenic (PMID: 10677296, 21204229). This variant is not present in population databases (gnomAD no frequency). This variant has not been reported in the literature in individuals affected with COL11A2-related conditions. ClinVar contains an entry for this variant (Variation ID: 1451542). For these reasons, this variant has been classified as Pathogenic.

Literature cited by the submitters: PubMed 10677296; PubMed 21204229.

NM_080680.3(COL11A2):c.3032del (p.Pro1011fs)

Gene: COL11A2 (collagen type XI alpha 2 chain; minus strand). Cytogenetic location: 6p21.32.
Variant type: Deletion.
Coding change: c.3032del on transcript NM_080680.3 (MANE Select); coding-DNA position 3032, one base deleted (C; older notation c.3032delC).
Protein change: p.Pro1011fs; shifts the reading frame from proline 1011.
Molecular consequence: frameshift variant.
Genome position (GRCh38, 1-based): chr6:33,172,060, G deleted on the plus strand (C on the coding strand, the reverse complement: COL11A2 is on the minus strand); the first of 6 consecutive G bases (chr6:33,172,060-33,172,065); deleting any one gives the same sequence. VCF-style (leftmost placement, unchanged base first): chr6-33172059-AG-A. GRCh37 (hg19) VCF-style: chr6-33139836-AG-A.
Other names: c.2711del, p.Pro904fs (NM_080679.3); c.2774del, p.Pro925fs (NM_080681.3); short protein forms P904fs, P1011fs, P925fs.
Identifiers: ClinVar variation 1451542 (VCV001451542.6), dbSNP rs1363500354, ClinGen allele CA824018306.